The following is an entry in ClinVar:

NM_032634.4(PIGO):c.1278T>G (p.Ala426=)

Gene: PIGO (phosphatidylinositol glycan anchor biosynthesis class O; minus strand). Cytogenetic location: 9p13.3.
Variant type: single nucleotide variant.
Coding change: c.1278T>G on transcript NM_032634.4 (MANE Select); coding-DNA position 1278, T replaced by G.
Protein change: p.Ala426=; no amino-acid change (alanine 426 retained).
Molecular consequence: synonymous variant.
Genome position (GRCh38, 1-based): chr9:35,092,609, A>C on the plus strand (T>G on the coding strand, the complement: PIGO is on the minus strand). VCF-style: chr9-35092609-A-C. GRCh37 (hg19) VCF-style: chr9-35092606-A-C.
Other names: c.1278T>G, p.Ala426= (NM_001201484.2, NM_152850.4).
Identifiers: ClinVar variation 3067337 (VCV003067337.21), dbSNP rs2490456638, ClinGen allele CA464603894.
Genomic context (GRCh38, chr9:35,092,609, plus strand): 5'-GAAACGAGCCCAAGACTCGATGCACATGGCCCGAGCTCCCCGCAGGAACTGCTGCAGCTC[A>C]GCAATCACAGTCGGCAGTGTCGCCTCAGCCCCCTTGGGGCTCTGGAGAAGCCACTGGTAG-3'
Protein context (NP_116023.2, residues 416-436): GAEATLPTVI[Ala426=]ELQQFLRGAR

ClinVar aggregate classification (germline): Likely benign (1 of 4 stars; one submission).

Submission:

CeGaT Center for Human Genetics Tuebingen
Classification: Likely benign. Last evaluated: 2024-03-01. Review status: criteria provided, single submitter. Criteria: CeGaT Center For Human Genetics Tuebingen Variant Classification Criteria Version 2. Collection method: clinical testing. Allele origin: germline. Affected: yes. Observed: 1 variant allele.
Comment: PIGO: PM2:Supporting, BP4, BP7